The following is an entry in ClinVar:

ClinVar aggregate classification (germline): Uncertain significance (1 of 4 stars; one submission).

Conditions:
Beckwith-Wiedemann syndrome (BWS). Also called: Exomphalos macroglossia gigantism syndrome; EMG SYNDROME. Identifiers: Orphanet 116, MedGen C0004903, MONDO:0007534, OMIM 130650.

Submission:

Labcorp Genetics (formerly Invitae), Labcorp
Classification: Uncertain significance for Beckwith-Wiedemann syndrome. Last evaluated: 2024-07-23. Review status: criteria provided, single submitter. Criteria: Invitae Variant Classification Sherloc (09022015). Collection method: clinical testing. Allele origin: germline.
Comment: This sequence change replaces asparagine, which is neutral and polar, with lysine, which is basic and polar, at codon 229 of the CDKN1C protein (p.Asn229Lys). This variant is not present in population databases (gnomAD no frequency). This variant has not been reported in the literature in individuals affected with CDKN1C-related conditions. ClinVar contains an entry for this variant (Variation ID: 1420408). Advanced modeling of protein sequence and biophysical properties (such as structural, functional, and spatial information, amino acid conservation, physicochemical variation, residue mobility, and thermodynamic stability) performed at Invitae indicates that this missense variant is not expected to disrupt CDKN1C protein function with a negative predictive value of 80%. In summary, the available evidence is currently insufficient to determine the role of this variant in disease. Therefore, it has been classified as a Variant of Uncertain Significance.

NM_001122630.2(CDKN1C):c.654C>G (p.Asn218Lys)

Gene: CDKN1C (cyclin dependent kinase inhibitor 1C; minus strand). Cytogenetic location: 11p15.4.
Variant type: single nucleotide variant.
Coding change: c.654C>G on transcript NM_001122630.2 (MANE Select); coding-DNA position 654, C replaced by G.
Protein change: p.Asn218Lys; replaces asparagine 218 with lysine.
Molecular consequence: missense variant. On other transcripts: intron variant (1).
Genome position (GRCh38, 1-based): chr11:2,884,803, G>C on the plus strand (C>G on the coding strand, the complement: CDKN1C is on the minus strand). VCF-style: chr11-2884803-G-C. GRCh37 (hg19) VCF-style: chr11-2906033-G-C.
Other names: c.687C>G, p.Asn229Lys (NM_000076.2, NM_001362474.2); c.654C>G, p.Asn218Lys (NM_001122631.2); c.255+399C>G (NM_001362475.2); short protein forms N218K, N229K.
Identifiers: ClinVar variation 1420408 (VCV001420408.6), dbSNP rs1232547627, ClinGen allele CA379145873.
Genomic context (GRCh38, chr11:2,884,803, plus strand): 5'-ACGTCCCGAAATCCCCGAGTGCAGCTGGTCAGCGAGAGGCTCCTGGCCGCGCTGCCCCTG[G>C]TTCGCGCCCTGCTCGGCGCTCTCTTGAGGCGCCGCGTCCGGGGCCGGGGCCGGGGCGGGG-3'
Protein context (NP_001116102.1, residues 208-228): APQESAEQGA[Asn218Lys]QGQRGQEPLA